The following is an entry in ClinVar:

ClinVar aggregate classification (germline): Conflicting classifications of pathogenicity. Review status: criteria provided, conflicting classifications (1 of 4 stars). 3 submissions from 3 submitters: Likely pathogenic (2); Uncertain significance (1). Last evaluated 2025-08-07.

Conditions:
Hypertrophic cardiomyopathy. Also called: HYPERTROPHIC MYOCARDIOPATHY. Identifiers: Orphanet 217569, MedGen C0007194, MeSH D002312, MONDO:0005045, HP:0001639.

Submissions (3):

GeneDx
Classification: Likely pathogenic. Last evaluated: 2025-08-07. Review status: criteria provided, single submitter. Criteria: GeneDx Variant Classification Process June 2021. Collection method: clinical testing. Allele origin: germline. Affected: yes.
Comment: In silico analysis supports that this missense variant has a deleterious effect on protein structure/function; Not observed at significant frequency in large population cohorts (gnomAD); Has not been previously published as pathogenic or benign to our knowledge; This variant is associated with the following publications: (PMID: 27532257, 29300372)

Labcorp Genetics (formerly Invitae), Labcorp
Classification: Uncertain significance for Hypertrophic cardiomyopathy. Last evaluated: 2024-05-10. Review status: criteria provided, single submitter. Criteria: Invitae Variant Classification Sherloc (09022015). Collection method: clinical testing. Allele origin: germline.
Comment: This sequence change replaces alanine, which is neutral and non-polar, with threonine, which is neutral and polar, at codon 843 of the MYH7 protein (p.Ala843Thr). This variant is not present in population databases (gnomAD no frequency). This variant has not been reported in the literature in individuals affected with MYH7-related conditions. ClinVar contains an entry for this variant (Variation ID: 179793). Advanced modeling of protein sequence and biophysical properties (such as structural, functional, and spatial information, amino acid conservation, physicochemical variation, residue mobility, and thermodynamic stability) performed at Invitae indicates that this missense variant is expected to disrupt MYH7 protein function with a positive predictive value of 95%. In summary, the available evidence is currently insufficient to determine the role of this variant in disease. Therefore, it has been classified as a Variant of Uncertain Significance.

Laboratory for Molecular Medicine, Mass General Brigham Personalized Medicine
Classification: Likely pathogenic for Hypertrophic cardiomyopathy. Last evaluated: 2014-07-01. Review status: criteria provided, single submitter. Criteria: LMM Criteria. Collection method: clinical testing. Allele origin: germline. Observed: 1 variant allele.
Comment: It was absent from large population studies . Alanine (Ala) at position 843 is highly conserved in evolution and the change to threonine (Thr) was predicted to be pathogenic using a computational tool cl inically validated by our laboratory. This tool's pathogenic prediction is estim ated to be correct 94% of the time (Jordan 2011). In summary, although addition al studies are required to fully establish its clinical significance, this varia nt is likely pathogenic.

NM_000257.4(MYH7):c.2527G>A (p.Ala843Thr)

Genes: MYH7 (myosin heavy chain 7; minus strand), LOC126861898 (BRD4-independent group 4 enhancer GRCh37_chr14:23893609-23894808; plus strand). Cytogenetic location: 14q11.2.
Variant type: single nucleotide variant.
Coding change: c.2527G>A on transcript NM_000257.4 (MANE Select); coding-DNA position 2527, G replaced by A.
Protein change: p.Ala843Thr; replaces alanine 843 with threonine.
Molecular consequence: missense variant.
Genome position (GRCh38, 1-based): chr14:23,424,921, C>T on the plus strand (G>A on the coding strand, the complement: MYH7 is on the minus strand). VCF-style: chr14-23424921-C-T. GRCh37 (hg19) VCF-style: chr14-23894130-C-T.
Other names: short protein forms A843T.
Identifiers: ClinVar variation 179793 (VCV000179793.7), dbSNP rs727505132, ClinGen allele CA012554.